The following is an entry in ClinVar:

ClinVar aggregate classification (germline): Uncertain significance (1 of 4 stars; one submission).

Submission:

Labcorp Genetics (formerly Invitae), Labcorp
Classification: Uncertain significance. Last evaluated: 2023-04-11. Review status: criteria provided, single submitter. Criteria: Invitae Variant Classification Sherloc (09022015). Collection method: clinical testing. Allele origin: germline.
Comment: This sequence change replaces glycine, which is neutral and non-polar, with aspartic acid, which is acidic and polar, at codon 1023 of the JAK1 protein (p.Gly1023Asp). This variant is not present in population databases (gnomAD no frequency). This variant has not been reported in the literature in individuals affected with JAK1-related conditions. Advanced modeling of protein sequence and biophysical properties (such as structural, functional, and spatial information, amino acid conservation, physicochemical variation, residue mobility, and thermodynamic stability) performed at Invitae indicates that this missense variant is expected to disrupt JAK1 protein function. In summary, the available evidence is currently insufficient to determine the role of this variant in disease. Therefore, it has been classified as a Variant of Uncertain Significance.

NM_002227.4(JAK1):c.3068G>A (p.Gly1023Asp)

Gene: JAK1 (Janus kinase 1; minus strand). Cytogenetic location: 1p31.3.
Variant type: single nucleotide variant.
Coding change: c.3068G>A on transcript NM_002227.4 (MANE Select); coding-DNA position 3068, G replaced by A.
Protein change: p.Gly1023Asp; replaces glycine 1023 with aspartic acid.
Molecular consequence: missense variant.
Genome position (GRCh38, 1-based): chr1:64,838,004, C>T on the plus strand (G>A on the coding strand, the complement: JAK1 is on the minus strand). VCF-style: chr1-64838004-C-T. GRCh37 (hg19) VCF-style: chr1-65303687-C-T.
Other names: c.3068G>A, p.Gly1023Asp (NM_001320923.2, NM_001321852.2, NM_001321853.2 and 3 more transcripts); c.3065G>A, p.Gly1022Asp (NM_001321857.2); short protein forms G1022D, G1023D.
Identifiers: ClinVar variation 2854930 (VCV002854930.3), dbSNP rs2523993738, ClinGen allele CA340662259.